The following is an entry in ClinVar:

ClinVar aggregate classification (germline): Pathogenic. Review status: criteria provided, multiple submitters, no conflicts (2 of 4 stars). 7 submissions from 7 submitters: Pathogenic (6). 1 of the submissions does not count toward it. Last evaluated 2026-02-26.

Conditions:
LRSAM1-related disorder. Also called: LRSAM1-related condition.
Inborn genetic diseases. Identifiers: MedGen C0950123, MeSH D030342.
Charcot-Marie-Tooth disease. Also called: Charcot-Marie-Tooth Hereditary Neuropathy; Charcot-Marie-Tooth Neuropathy. Identifiers: Orphanet 166, MedGen C0007959, MONDO:0015626.
Charcot-Marie-Tooth disease axonal type 2P. Also called: CHARCOT-MARIE-TOOTH NEUROPATHY, TYPE 2P; Charcot-Marie-Tooth Neuropathy Type 2G; CHARCOT-MARIE-TOOTH DISEASE, AXONAL, TYPE 2G; CMT 2G. Identifiers: Orphanet 300319, Orphanet 99941, MedGen C3280797, MONDO:0013753, OMIM 614436.

Allele frequency attached by ClinVar (database versions not stated): ExAC 0.00001; gnomAD exomes 0.00002; gnomAD 0.00003; TOPMed 0.00003.
gnomAD v4.1: 29 of 1,613,856 alleles (0.0018%); highest among the groups gnomAD compares: Non-Finnish European, 0.0024%; no homozygotes.

Submissions (7):

PreventionGenetics, part of Exact Sciences
Classification: Pathogenic for LRSAM1-related condition. Last evaluated: 2026-02-26. Review status: criteria provided, single submitter. Criteria: ACMG Guidelines, 2015. Collection method: clinical testing. Allele origin: germline.
Comment: The LRSAM1 c.1913-1G>A variant is predicted to disrupt the AG splice acceptor site and interfere with normal splicing. This variant has been reported in the homozygous state to segregate in many affected individuals from a large family with with Charcot-Marie-Tooth disease (Guernsey et al. 2010. PubMed ID: 20865121). RT-PCR studies derived from a patient harboring the c.1913-1G>A variant revealed an aberrant mRNA transcript which results in a frameshift and premature protein termination (Guernsey et al. 2010. PubMed ID: 20865121). This variant is reported in 0.0047% of alleles in individuals of European (non-Finnish) descent in gnomAD. Variants that disrupt the consensus splice acceptor site in LRSAM1 are expected to be pathogenic. This variant is interpreted as pathogenic for autosomal recessive LRSAM1-related disorders.

Labcorp Genetics (formerly Invitae), Labcorp
Classification: Pathogenic for Charcot-Marie-Tooth disease axonal type 2P. Last evaluated: 2024-09-29. Review status: criteria provided, single submitter. Criteria: Invitae Variant Classification Sherloc (09022015). Collection method: clinical testing. Allele origin: germline.
Comment: This sequence change affects an acceptor splice site in intron 23 of the LRSAM1 gene. RNA analysis indicates that disruption of this splice site induces altered splicing and may result in an absent or altered protein product. This variant is present in population databases (rs756880678, gnomAD 0.003%). Disruption of this splice site has been observed in individual(s) with autosomal recessive Charcot-Marie-Tooth disease (PMID: 20865121). It has also been observed to segregate with disease in related individuals. ClinVar contains an entry for this variant (Variation ID: 204301). Studies have shown that disruption of this splice site results in altered splicing, and produces a non-functional protein and/or introduces a premature termination codon (PMID: 20865121). For these reasons, this variant has been classified as Pathogenic.

Blueprint Genetics
Classification: Pathogenic for LRSAM1-related disorders. Last evaluated: 2022-06-03. Review status: criteria provided, single submitter. Criteria: ACMG Guidelines, 2015. Collection method: clinical testing. Allele origin: germline. Affected: yes. Observed: 3 variant alleles.

Ambry Genetics
Classification: Pathogenic for Inborn genetic diseases. Last evaluated: 2022-04-09. Review status: criteria provided, single submitter. Criteria: Ambry Variant Classification Scheme 2023. Collection method: clinical testing. Allele origin: germline.
Comment: The c.1913-1G>A intronic variant results from a G to A substitution one nucleotide upstream from coding exon 23 of the LRSAM1 gene. This variant was found to segregate with autosomal recessive Charcot-Marie-Tooth disease, type 2P (CMT2P) in one family. Additionally, RNA studies demonstrated that this alteration results in a transcript expected to trigger nonsense-mediated mRNA decay (Guernsey DL et al. PLoS Genet, 2010 Aug;6). Based on the supporting evidence, this variant is expected to be causative of autosomal recessive CMT2P. However, loss of function of LRSAM1 has not been established as a mechanism of disease for autosomal dominant CMT2P, so the clinical significance for autosomal dominant CMT2P is unclear.

Genetic Services Laboratory, University of Chicago
Classification: Pathogenic. Last evaluated: 2020-08-04. Review status: criteria provided, single submitter. Criteria: ACMG Guidelines, 2015. Collection method: clinical testing. Allele origin: germline. Affected: yes.
Comment: DNA sequence analysis of the LRSAM1 gene demonstrated a sequence change in the canonical splice acceptor site of intron 23, c.1913-1G>A. This pathogenic sequence change is predicted to disrupt RNA splicing and likely to result in an absent or disrupted protein product (PMID: 20865121). This sequence change has been described in the gnomAD database with a low frequency of 0.005% in the European sub-population (dbSNP rs756880678). The majority of pathogenic variants in LRSAM1 are present in the heterozygous state and cause an autosomal dominant phenotype. However, this sequence change has been previously reported in the homozygous state segregating with disease in six affected individuals from one consanguineous family (PMID: 20865121).

Molecular Genetics Laboratory, London Health Sciences Centre
Classification: Pathogenic for Charcot-Marie-Tooth disease. Review status: criteria provided, single submitter. Criteria: ACMG Guidelines, 2015. Collection method: clinical testing. Allele origin: germline. Affected: yes.

Inherited Neuropathy Consortium
Classification: Uncertain significance for Charcot-Marie-Tooth disease. Review status: no assertion criteria provided. Collection method: literature only. Allele origin: germline. Affected: yes. Not counted in ClinVar's aggregate classification.

Literature cited by the submitters: PubMed 20865121 (cited by 3 submitters).

NM_001005373.4(LRSAM1):c.1913-1G>A

Gene: LRSAM1 (leucine rich repeat and sterile alpha motif containing 1; plus strand). Cytogenetic location: 9q34.11.
Variant type: single nucleotide variant.
Coding change: c.1913-1G>A on transcript NM_001005373.4 (MANE Select); the canonical splice acceptor site of the intron before coding-DNA position 1913, G replaced by A.
Molecular consequence: splice acceptor variant.
Genome position (GRCh38, 1-based): chr9:127,501,009, G>A. VCF-style: chr9-127501009-G-A. GRCh37 (hg19) VCF-style: chr9-130263288-G-A.
Other names: c.1913-1G>A (NM_138361.4, NM_138361.5, NM_001384142.1 and 1 more transcripts); c.1814-1G>A (NM_001384143.1); c.1832-1G>A (NM_001190723.3); c.1124-1G>A (NM_001384144.1).
Identifiers: ClinVar variation 204301 (VCV000204301.19), dbSNP rs756880678, ClinGen allele CA347303.
Genomic context (GRCh38, chr9:127,501,009, plus strand): 5'-CCCCAGGGGTTAGGGTCAGCGGAGATGACCCTGGCTCAGTCTGTCTGTCTGGTCCCCACA[G>A]AGCTGAAACCACCAATGGGTGAGGTCGTCACCCCTACGGCCCCCCAGGAGCCTCCTGAGT-3'